The following is an entry in ClinVar:

ClinVar aggregate classification (germline): Uncertain significance (1 of 4 stars; one submission).

Conditions:
Mitochondrial complex II deficiency, nuclear type 1. Also called: SUCCINATE CoQ REDUCTASE DEFICIENCY. Identifiers: Orphanet 3208, MedGen C5700310, MONDO:0100294, OMIM 252011.
Pheochromocytoma/paraganglioma syndrome 5. Also called: Paragangliomas 5; SDHA-Related Hereditary Paraganglioma-Pheochromocytoma Syndrome. Identifiers: Orphanet 29072, MedGen C3279992, MONDO:0013602, OMIM 614165.

Allele frequency attached by ClinVar (database versions not stated): ExAC 0.00001.

Submission:

Labcorp Genetics (formerly Invitae), Labcorp
Classification: Uncertain significance for Pheochromocytoma/paraganglioma syndrome 5; Mitochondrial complex II deficiency, nuclear type 1. Last evaluated: 2023-10-22. Review status: criteria provided, single submitter. Criteria: Invitae Variant Classification Sherloc (09022015). Collection method: clinical testing. Allele origin: germline.
Comment: This sequence change replaces proline, which is neutral and non-polar, with leucine, which is neutral and non-polar, at codon 404 of the SDHA protein (p.Pro404Leu). This variant is present in population databases (rs773368621, gnomAD 0.006%). This variant has not been reported in the literature in individuals affected with SDHA-related conditions. Advanced modeling of protein sequence and biophysical properties (such as structural, functional, and spatial information, amino acid conservation, physicochemical variation, residue mobility, and thermodynamic stability) performed at Invitae indicates that this missense variant is expected to disrupt SDHA protein function. In summary, the available evidence is currently insufficient to determine the role of this variant in disease. Therefore, it has been classified as a Variant of Uncertain Significance.

NM_004168.4(SDHA):c.1211C>T (p.Pro404Leu)

Gene: SDHA (succinate dehydrogenase complex flavoprotein subunit A; plus strand). Cytogenetic location: 5p15.33.
Variant type: single nucleotide variant.
Coding change: c.1211C>T on transcript NM_004168.4 (MANE Select); coding-DNA position 1211, C replaced by T.
Protein change: p.Pro404Leu; replaces proline 404 with leucine.
Molecular consequence: missense variant.
Genome position (GRCh38, 1-based): chr5:235,290, C>T. VCF-style: chr5-235290-C-T. GRCh37 (hg19) VCF-style: chr5-235405-C-T.
Other names: c.1067C>T, p.Pro356Leu (NM_001294332.2); c.1211C>T, p.Pro404Leu (NM_001330758.2); short protein forms P404L, P356L.
Identifiers: ClinVar variation 2953142 (VCV002953142.3), dbSNP rs773368621, ClinGen allele CA3173140.